The following is an entry in ClinVar:

NM_001130438.3(SPTAN1):c.610A>G (p.Arg204Gly)

Gene: SPTAN1 (spectrin alpha, non-erythrocytic 1; plus strand). Cytogenetic location: 9q34.11.
Variant type: single nucleotide variant.
Coding change: c.610A>G on transcript NM_001130438.3 (MANE Select); coding-DNA position 610, A replaced by G.
Protein change: p.Arg204Gly; replaces arginine 204 with glycine.
Molecular consequence: missense variant.
Genome position (GRCh38, 1-based): chr9:128,575,304, A>G. VCF-style: chr9-128575304-A-G. GRCh37 (hg19) VCF-style: chr9-131337583-A-G.
Other names: c.610A>G, p.Arg204Gly (NM_001363759.2, NM_001363765.2, NM_001375310.1 and 5 more transcripts); c.646A>G, p.Arg216Gly (NM_001375312.2, NM_001375318.1); short protein forms R216G, R204G.
Identifiers: ClinVar variation 3635894 (VCV003635894.2).

ClinVar aggregate classification (germline): Uncertain significance (1 of 4 stars; one submission).

Conditions:
Early-infantile DEE. Also called: Early infantile epileptic encephalopathy; Ohtahara syndrome; Early infantile epileptic encephalopathy with suppression bursts. Identifiers: Orphanet 1934, MedGen C0393706, MONDO:0800491.

Submission:

Labcorp Genetics (formerly Invitae), Labcorp
Classification: Uncertain significance for Early-infantile DEE. Last evaluated: 2024-12-06. Review status: criteria provided, single submitter. Criteria: Invitae Variant Classification Sherloc (09022015). Collection method: clinical testing. Allele origin: germline.
Comment: This sequence change replaces arginine, which is basic and polar, with glycine, which is neutral and non-polar, at codon 204 of the SPTAN1 protein (p.Arg204Gly). This variant is not present in population databases (gnomAD no frequency). This variant has not been reported in the literature in individuals affected with SPTAN1-related conditions. Invitae Evidence Modeling of protein sequence and biophysical properties (such as structural, functional, and spatial information, amino acid conservation, physicochemical variation, residue mobility, and thermodynamic stability) has been performed for this missense variant. However, the output from this modeling did not meet the statistical confidence thresholds required to predict the impact of this variant on SPTAN1 protein function. In summary, the available evidence is currently insufficient to determine the role of this variant in disease. Therefore, it has been classified as a Variant of Uncertain Significance.